The following is an entry in ClinVar:

NM_004612.4(TGFBR1):c.430A>G (p.Met144Val)

Gene: TGFBR1 (transforming growth factor beta receptor 1; plus strand). Cytogenetic location: 9q22.33.
Variant type: single nucleotide variant.
Coding change: c.430A>G on transcript NM_004612.4 (MANE Select); coding-DNA position 430, A replaced by G.
Protein change: p.Met144Val; replaces methionine 144 with valine.
Molecular consequence: missense variant. On other transcripts: intron variant (1).
Genome position (GRCh38, 1-based): chr9:99,132,595, A>G. VCF-style: chr9-99132595-A-G. GRCh37 (hg19) VCF-style: chr9-101894877-A-G.
Other names: c.442A>G, p.Met148Val (NM_001306210.2); c.343+3495A>G (NM_001130916.3); short protein forms M148V, M144V.
Identifiers: ClinVar variation 843719 (VCV000843719.10), dbSNP rs1827272468, ClinGen allele CA374228013.
Genomic context (GRCh38, chr9:99,132,595, plus strand): 5'-GTGGAACTGGCAGCTGTCATTGCTGGACCAGTGTGCTTCGTCTGCATCTCACTCATGTTG[A>G]TGGTCTATATCTGCCACAACCGCACTGTCATTCACCATCGAGTGCCAAATGAAGAGGACC-3'
Protein context (NP_004603.1, residues 134-154): VCFVCISLML[Met144Val]VYICHNRTVI

ClinVar aggregate classification (germline): Uncertain significance (1 of 4 stars; one submission).

Conditions:
Familial thoracic aortic aneurysm and aortic dissection (TAAD). Also called: Thoracic aortic aneurysms and dissections. Identifiers: Orphanet 91387, MedGen C4707243, MONDO:0019625.

Submission:

Labcorp Genetics (formerly Invitae), Labcorp
Classification: Uncertain significance for Familial thoracic aortic aneurysm and aortic dissection. Last evaluated: 2019-11-20. Review status: criteria provided, single submitter. Criteria: Invitae Variant Classification Sherloc (09022015). Collection method: clinical testing. Allele origin: germline.
Comment: In summary, the available evidence is currently insufficient to determine the role of this variant in disease. Therefore, it has been classified as a Variant of Uncertain Significance. Algorithms developed to predict the effect of missense changes on protein structure and function (SIFT, PolyPhen-2, Align-GVGD) all suggest that this variant is likely to be tolerated, but these predictions have not been confirmed by published functional studies and their clinical significance is uncertain. This variant has not been reported in the literature in individuals with TGFBR1-related conditions. This variant is not present in population databases (ExAC no frequency). This sequence change replaces methionine with valine at codon 144 of the TGFBR1 protein (p.Met144Val). The methionine residue is weakly conserved and there is a small physicochemical difference between methionine and valine.